The following is an entry in ClinVar:

ClinVar aggregate classification (germline): Uncertain significance (1 of 4 stars; one submission).

Submission:

GeneDx
Classification: Uncertain significance. Last evaluated: 2026-02-18. Review status: criteria provided, single submitter. Criteria: GeneDx Variant Classification Process June 2021. Collection method: clinical testing. Allele origin: germline.
Comment: Not observed at significant frequency in large population cohorts (gnomAD); In silico analysis supports that this missense variant has a deleterious effect on protein structure/function; Has not been previously published as pathogenic or benign to our knowledge; This substitution is predicted to be in the cytoplasmic loop between the first and second homologous domains

NM_001040142.2(SCN2A):c.1650G>C (p.Lys550Asn)

Gene: SCN2A (sodium voltage-gated channel alpha subunit 2; plus strand). Cytogenetic location: 2q24.3.
Variant type: single nucleotide variant.
Coding change: c.1650G>C on transcript NM_001040142.2 (MANE Select); coding-DNA position 1650, G replaced by C.
Protein change: p.Lys550Asn; replaces lysine 550 with asparagine.
Molecular consequence: missense variant.
Genome position (GRCh38, 1-based): chr2:165,315,737, G>C. VCF-style: chr2-165315737-G-C. GRCh37 (hg19) VCF-style: chr2-166172247-G-C.
Other names: c.1650G>C, p.Lys550Asn (NM_001040143.2, NM_001371246.1, NM_001371247.1 and 1 more transcripts); short protein forms K550N.
Identifiers: ClinVar variation 4887869 (VCV004887869.1).